The following is an entry in ClinVar:

NM_002181.4(IHH):c.1039T>C (p.Cys347Arg)

Gene: IHH (Indian hedgehog signaling molecule; minus strand). Cytogenetic location: 2q35.
Variant type: single nucleotide variant.
Coding change: c.1039T>C on transcript NM_002181.4 (MANE Select); coding-DNA position 1039, T replaced by C.
Protein change: p.Cys347Arg; replaces cysteine 347 with arginine.
Molecular consequence: missense variant.
Genome position (GRCh38, 1-based): chr2:219,055,404, A>G on the plus strand (T>C on the coding strand, the complement: IHH is on the minus strand). VCF-style: chr2-219055404-A-G. GRCh37 (hg19) VCF-style: chr2-219920126-A-G.
Other names: short protein forms C347R.
Identifiers: ClinVar variation 2119084 (VCV002119084.4), dbSNP rs2469509962, ClinGen allele CA350630248.
Genomic context (GRCh38, chr2:219,055,404, plus strand): 5'-AGAGTCTCAGGGGCCAGAAGGCCAACTGAGCCAGGTGGTGGTCAGCCACGGCCGCGAAGC[A>G]GGATGCCACCACATCCTCCACCACCAGTGTCCCATGCTTTGTGAGCGGGGCGTAGGCCCC-3'
Protein context (NP_002172.2, residues 337-357): TLVVEDVVAS[Cys347Arg]FAAVADHHLA

ClinVar aggregate classification (germline): Uncertain significance (1 of 4 stars; one submission).

Submission:

Labcorp Genetics (formerly Invitae), Labcorp
Classification: Uncertain significance. Last evaluated: 2022-11-15. Review status: criteria provided, single submitter. Criteria: Invitae Variant Classification Sherloc (09022015). Collection method: clinical testing. Allele origin: germline.
Comment: In summary, the available evidence is currently insufficient to determine the role of this variant in disease. Therefore, it has been classified as a Variant of Uncertain Significance. Advanced modeling of protein sequence and biophysical properties (such as structural, functional, and spatial information, amino acid conservation, physicochemical variation, residue mobility, and thermodynamic stability) performed at Invitae indicates that this missense variant is expected to disrupt IHH protein function. This variant has not been reported in the literature in individuals affected with IHH-related conditions. This variant is not present in population databases (gnomAD no frequency). This sequence change replaces cysteine, which is neutral and slightly polar, with arginine, which is basic and polar, at codon 347 of the IHH protein (p.Cys347Arg).